The following is an entry in ClinVar:

ClinVar aggregate classification (germline): Uncertain significance. Review status: criteria provided, multiple submitters, no conflicts (2 of 4 stars). 2 submissions from 2 submitters: Uncertain significance (2). Last evaluated 2024-12-22.

Conditions:
Autosomal dominant hypocalcemia 1 (HYPOC1). Also called: HYPOCALCEMIA, FAMILIAL. Identifiers: MedGen C3715128, MONDO:0011013, OMIM 601198.
Familial hypocalciuric hypercalcemia (FHH). Also called: Familial benign hypercalcemia. Identifiers: Orphanet 405, MedGen C1809471, MONDO:0018458.
Nephrolithiasis/nephrocalcinosis. Identifiers: MedGen CN580796.

Allele frequency attached by ClinVar (database versions not stated): gnomAD 0.00001 and 0.00002; 1000 Genomes Project 30x 0.00016; 1000 Genomes Project 0.00020; gnomAD exomes 0.00001 and 0.00002; TOPMed 0.00001; ExAC 0.00002.
gnomAD v4.1: 12 of 1,613,788 alleles (0.00074%); highest among the groups gnomAD compares: South Asian, 0.013%; no homozygotes.

Submissions (2):

Labcorp Genetics (formerly Invitae), Labcorp
Classification: Uncertain significance for Familial hypocalciuric hypercalcemia; Autosomal dominant hypocalcemia 1. Last evaluated: 2024-12-22. Review status: criteria provided, single submitter. Criteria: Invitae Variant Classification Sherloc (09022015). Collection method: clinical testing. Allele origin: germline.
Comment: This sequence change falls in intron 2 of the CASR gene. It does not directly change the encoded amino acid sequence of the CASR protein. It affects a nucleotide within the consensus splice site. This variant is present in population databases (rs554770681, gnomAD 0.02%). This variant has not been reported in the literature in individuals affected with CASR-related conditions. ClinVar contains an entry for this variant (Variation ID: 1026963). Variants that disrupt the consensus splice site are a relatively common cause of aberrant splicing (PMID: 17576681, 9536098). Algorithms developed to predict the effect of sequence changes on RNA splicing suggest that this variant is not likely to affect RNA splicing. In summary, the available evidence is currently insufficient to determine the role of this variant in disease. Therefore, it has been classified as a Variant of Uncertain Significance.

Ambry Genetics
Classification: Uncertain significance for Nephrolithiasis/nephrocalcinosis. Last evaluated: 2023-11-15. Review status: criteria provided, single submitter. Criteria: Ambry Variant Classification Scheme 2023. Collection method: clinical testing. Allele origin: germline.
Comment: The c.185+5G>C intronic variant results from a G to C substitution 5 nucleotides after coding exon 1 in the CASR gene. This nucleotide position is well conserved in available vertebrate species. In silico splice site analysis predicts that this alteration will not have any significant effect on splicing. Since supporting evidence is limited at this time, the clinical significance of this alteration remains unclear.

Literature cited by the submitters: PubMed 17576681 (cited by Labcorp Genetics (formerly Invitae), Labcorp); PubMed 9536098 (cited by Labcorp Genetics (formerly Invitae), Labcorp).

NM_000388.4(CASR):c.185+5G>C

Gene: CASR (calcium sensing receptor; plus strand). Cytogenetic location: 3q21.1.
Variant type: single nucleotide variant.
Coding change: c.185+5G>C on transcript NM_000388.4 (MANE Select); 5 bases into the intron after coding-DNA position 185, G replaced by C.
Molecular consequence: intron variant.
Genome position (GRCh38, 1-based): chr3:122,254,379, G>C. VCF-style: chr3-122254379-G-C. GRCh37 (hg19) VCF-style: chr3-121973226-G-C.
Other names: c.185+5G>C (NM_001178065.2, NM_000388.3).
Identifiers: ClinVar variation 1026963 (VCV001026963.8), dbSNP rs554770681, ClinGen allele CA2569430.